The following is an entry in ClinVar:

ClinVar aggregate classification (germline): Benign (1 of 4 stars; one submission).

Allele frequency attached by ClinVar (database versions not stated): TOPMed 0.18827; gnomAD 0.19970; gnomAD exomes 0.23536; ExAC 0.26308; ESP Exome Variant Server 0.16794; 1000 Genomes Project 30x 0.28623; 1000 Genomes Project 0.29453.
gnomAD v4.1: 364,284 of 1,567,602 alleles (23%); highest among the groups gnomAD compares: South Asian, 51%; 48,503 homozygotes.

Submission:

Unidad de Genómica Garrahan, Hospital de Pediatría Garrahan
Classification: Benign. Last evaluated: 2024-01-24. Review status: criteria provided, single submitter. Criteria: ACMG Guidelines, 2015. Collection method: clinical testing. Allele origin: germline. Affected: no. Observed: 38 variant alleles.
Comment: This variant is classified as Benign based on local population frequency. This variant was detected in 43% of patients studied by a panel of primary immunodeficiencies. Number of patients: 38. Only high quality variants are reported.

NM_000416.3(IFNGR1):c.85+45G>A

Gene: IFNGR1 (interferon gamma receptor 1; minus strand). Cytogenetic location: 6q23.3.
Variant type: single nucleotide variant.
Coding change: c.85+45G>A on transcript NM_000416.3 (MANE Select); 45 bases into the intron after coding-DNA position 85, G replaced by A.
Molecular consequence: intron variant.
Genome position (GRCh38, 1-based): chr6:137,219,198, C>T on the plus strand (G>A on the coding strand, the complement: IFNGR1 is on the minus strand). VCF-style: chr6-137219198-C-T. GRCh37 (hg19) VCF-style: chr6-137540335-C-T.
Identifiers: ClinVar variation 2688432 (VCV002688432.2), dbSNP rs11754268, ClinGen allele CA4019077.